The following is an entry in ClinVar:

ClinVar aggregate classification (germline): Uncertain significance (1 of 4 stars; one submission).

Submission:

Dasa
Classification: Uncertain significance. Last evaluated: 2025-11-18. Review status: criteria provided, single submitter. Criteria: DASA Assertion Criteria. Collection method: clinical testing. Allele origin: germline.
Comment: NM_000552.5(VWF):c.1704T>A (p.Asp568Glu) is a missense variant that results in the substitution of aspartic acid with glutamic acid. This variant is absent from population databases. Computational prediction algorithms are consistent with a benign effect. The currently available literature and clinical evidence are not sufficient to establish a definitive association between this variant and the reported condition. Therefore, this variant is classified as a variant of uncertain significance.

NM_000552.5(VWF):c.1704T>A (p.Asp568Glu)

Gene: VWF (von Willebrand factor; minus strand). Cytogenetic location: 12p13.31.
Variant type: single nucleotide variant.
Coding change: c.1704T>A on transcript NM_000552.5 (MANE Select); coding-DNA position 1704, T replaced by A.
Protein change: p.Asp568Glu; replaces aspartic acid 568 with glutamic acid.
Molecular consequence: missense variant.
Genome position (GRCh38, 1-based): chr12:6,057,874, A>T on the plus strand (T>A on the coding strand, the complement: VWF is on the minus strand). VCF-style: chr12-6057874-A-T. GRCh37 (hg19) VCF-style: chr12-6167040-A-T.
Other names: short protein forms D568E.
Identifiers: ClinVar variation 4885708 (VCV004885708.2).